The following is an entry in ClinVar:

ClinVar aggregate classification (germline): Uncertain significance (1 of 4 stars; one submission).

Conditions:
Hereditary cancer-predisposing syndrome. Also called: Neoplastic Syndromes, Hereditary; Tumor predisposition; Hereditary Cancer Syndrome; Hereditary neoplastic syndrome. Identifiers: Orphanet 140162, MedGen C0027672, MeSH D009386, MONDO:0015356.

Submission:

Color Diagnostics, LLC DBA Color Health
Classification: Uncertain significance for Hereditary cancer-predisposing syndrome. Last evaluated: 2024-03-25. Review status: criteria provided, single submitter. Criteria: ACMG Guidelines, 2015. Collection method: clinical testing. Allele origin: germline.
Comment: This missense variant replaces valine with aspartic acid at codon 13 of the APC protein. Computational prediction is inconclusive regarding the impact of this variant on protein structure and function (internally defined REVEL score threshold 0.5 < inconclusive < 0.7, PMID: 27666373). To our knowledge, functional studies have not been reported for this variant. This variant has not been reported in individuals affected with APC-related disorders in the literature. This variant has not been identified in the general population by the Genome Aggregation Database (gnomAD). The available evidence is insufficient to determine the role of this variant in disease conclusively. Therefore, this variant is classified as a Variant of Uncertain Significance.

NM_000038.6(APC):c.38T>A (p.Val13Asp)

Gene: APC (APC regulator of Wnt signaling pathway; plus strand). Cytogenetic location: 5q22.2.
Variant type: single nucleotide variant.
Coding change: c.38T>A on transcript NM_000038.6 (MANE Select); coding-DNA position 38, T replaced by A.
Protein change: p.Val13Asp; replaces valine 13 with aspartic acid.
Molecular consequence: missense variant. On other transcripts: 5 prime UTR variant (4), non-coding transcript variant (2), intron variant (11).
Genome position (GRCh38, 1-based): chr5:112,754,928, T>A. VCF-style: chr5-112754928-T-A. GRCh37 (hg19) VCF-style: chr5-112090625-T-A.
Other names: c.38T>A, p.Val13Asp (NM_001127510.3, NM_001354895.2, NM_001354896.2 and 16 more transcripts); c.-998T>A (NM_001354906.2, NM_001407470.1, NM_001407471.1 and 1 more transcripts); c.166-11398T>A (NM_001407446.1, NM_001354897.2, NM_001354902.2 and 1 more transcripts); c.-42-11398T>A (NM_001407453.1, NM_001354900.2, NM_001354901.2 and 1 more transcripts); c.61-11398T>A (NM_001407451.1, NM_001354898.2, NM_001354904.2); short protein forms V13D.
Identifiers: ClinVar variation 3893717 (VCV003893717.1).
Genomic context (GRCh38, chr5:112,754,928, plus strand): 5'-TATAGGTCCAAGGGTAGCCAAGGATGGCTGCAGCTTCATATGATCAGTTGTTAAAGCAAG[T>A]TGAGGCACTGAAGATGGAGAACTCAAATCTTCGACAAGAGCTAGAAGATAATTCCAATCA-3'
Protein context (NP_000029.2, residues 3-23): AASYDQLLKQ[Val13Asp]EALKMENSNL